The following is an entry in ClinVar:

NM_007194.4(CHEK2):c.1277del (p.Pro426fs)

Gene: CHEK2 (checkpoint kinase 2; minus strand). Cytogenetic location: 22q12.1.
Variant type: Deletion.
Coding change: c.1277del on transcript NM_007194.4 (MANE Select); coding-DNA position 1277, one base deleted (C; older notation c.1277delC).
Protein change: p.Pro426fs; shifts the reading frame from proline 426.
Molecular consequence: frameshift variant.
Genome position (GRCh38, 1-based): chr22:28,695,225, G deleted on the plus strand (C on the coding strand, the reverse complement: CHEK2 is on the minus strand); the first of 2 consecutive G bases (chr22:28,695,225-28,695,226); deleting either gives the same sequence. VCF-style (leftmost placement, unchanged base first): chr22-28695224-AG-A. GRCh37 (hg19) VCF-style: chr22-29091212-AG-A.
Other names: c.1405delC, p.Pro469Leufs (NM_001005735.3); c.613delC, p.Pro205Leufs (NM_001257387.3); c.1075delC, p.Pro359Leufs (NM_001349956.3); c.1189delC, p.Pro397Leufs (NM_145862.3); short protein forms P205fs, P359fs, P397fs, P426fs, P469fs.
Identifiers: ClinVar variation 3226021 (VCV003226021.1), dbSNP rs2517798130, ClinGen allele CA2825002872.

ClinVar aggregate classification (germline): Pathogenic (1 of 4 stars; one submission).

Conditions:
Hereditary cancer-predisposing syndrome. Also called: Neoplastic Syndromes, Hereditary; Tumor predisposition; Hereditary neoplastic syndrome; Hereditary Cancer Syndrome. Identifiers: Orphanet 140162, MedGen C0027672, MeSH D009386, MONDO:0015356.

Submission:

Ambry Genetics
Classification: Pathogenic for Hereditary cancer-predisposing syndrome. Last evaluated: 2024-01-09. Review status: criteria provided, single submitter. Criteria: Ambry Variant Classification Scheme 2023. Collection method: clinical testing. Allele origin: germline.
Comment: The c.1277delC pathogenic mutation, located in coding exon 11 of the CHEK2 gene, results from a deletion of one nucleotide at nucleotide position 1277, causing a translational frameshift with a predicted alternate stop codon (p.P426Lfs*11). This variant is considered to be rare based on population cohorts in the Genome Aggregation Database (gnomAD). This alteration is expected to result in loss of function by premature protein truncation or nonsense-mediated mRNA decay. As such, this alteration is interpreted as a disease-causing mutation.